The following is an entry in ClinVar:

ClinVar aggregate classification (germline): Pathogenic (1 of 4 stars; one submission).

Conditions:
Neuropathy, hereditary sensory and autonomic, type 2A (HSAN2A). Also called: ACROOSTEOLYSIS, GIACCAI TYPE; ACROOSTEOLYSIS, NEUROGENIC; WNK1-Related HSAN2 (HSAN2A); MORVAN DISEASE; NEUROPATHY, CONGENITAL SENSORY; NEUROPATHY, HEREDITARY SENSORY RADICULAR, AUTOSOMAL RECESSIVE. Identifiers: Orphanet 970, MedGen C2752089, MONDO:0024309, OMIM 201300.
Generalized epilepsy with febrile seizures plus, type 7 (GEFSP7). Also called: GEFS+, TYPE 7. Identifiers: Orphanet 36387, MedGen C2751778, MONDO:0013470, OMIM 613863.

Submission:

Labcorp Genetics (formerly Invitae), Labcorp
Classification: Pathogenic for Neuropathy, hereditary sensory and autonomic, type 2A; Generalized epilepsy with febrile seizures plus, type 7. Last evaluated: 2024-08-29. Review status: criteria provided, single submitter. Criteria: Invitae Variant Classification Sherloc (09022015). Collection method: clinical testing. Allele origin: germline.
Comment: This sequence change replaces proline, which is neutral and non-polar, with leucine, which is neutral and non-polar, at codon 1308 of the SCN9A protein (p.Pro1308Leu). This variant is not present in population databases (gnomAD no frequency). This missense change has been observed in individuals with clinical features of autosomal dominant erythromelalgia (PMID: 20429905, 37555797; internal data). It has also been observed to segregate with disease in related individuals. Invitae Evidence Modeling of protein sequence and biophysical properties (such as structural, functional, and spatial information, amino acid conservation, physicochemical variation, residue mobility, and thermodynamic stability) indicates that this missense variant is not expected to disrupt SCN9A protein function with a negative predictive value of 95%. Experimental studies have shown that this missense change affects SCN9A function (PMID: 20429905). For these reasons, this variant has been classified as Pathogenic.

Literature cited by the submitters: PubMed 20429905; PubMed 37555797.

NM_001365536.1(SCN9A):c.3956C>T (p.Pro1319Leu)

Genes: SCN1A-AS1 (SCN1A and SCN9A antisense RNA 1; plus strand), SCN9A (sodium voltage-gated channel alpha subunit 9; minus strand). Cytogenetic location: 2q24.3.
Variant type: single nucleotide variant.
Coding change: c.3956C>T on transcript NM_001365536.1 (MANE Select); coding-DNA position 3956, C replaced by T.
Protein change: p.Pro1319Leu; replaces proline 1319 with leucine.
Molecular consequence: missense variant.
Genome position (GRCh38, 1-based): chr2:166,228,941, G>A on the plus strand (C>T on the coding strand, the complement: SCN9A is on the minus strand). VCF-style: chr2-166228941-G-A. GRCh37 (hg19) VCF-style: chr2-167085451-G-A.
Other names: c.3923C>T, p.Pro1308Leu (NM_002977.4); short protein forms P1308L, P1319L.
Identifiers: ClinVar variation 3759062 (VCV003759062.2).